The following is an entry in ClinVar:

NM_002230.4(JUP):c.526C>T (p.Arg176Trp)

Gene: JUP (junction plakoglobin; minus strand). Cytogenetic location: 17q21.2.
Variant type: single nucleotide variant.
Coding change: c.526C>T on transcript NM_002230.4 (MANE Select); coding-DNA position 526, C replaced by T.
Protein change: p.Arg176Trp; replaces arginine 176 with tryptophan.
Molecular consequence: missense variant.
Genome position (GRCh38, 1-based): chr17:41,769,150, G>A on the plus strand (C>T on the coding strand, the complement: JUP is on the minus strand). VCF-style: chr17-41769150-G-A. GRCh37 (hg19) VCF-style: chr17-39925402-G-A.
Other names: c.526C>T, p.Arg176Trp (NM_001352773.2, NM_001352774.2, NM_001352775.2 and 3 more transcripts); short protein forms R176W.
Identifiers: ClinVar variation 191675 (VCV000191675.18), dbSNP rs368336007, ClinGen allele CA237230.

ClinVar aggregate classification (germline): Conflicting classifications of pathogenicity. Review status: criteria provided, conflicting classifications (1 of 4 stars). 8 submissions from 8 submitters: Uncertain significance (7); Likely benign (1). Last evaluated 2025-01-01.

Conditions:
Cardiovascular phenotype. Identifiers: MedGen CN230736.
Arrhythmogenic right ventricular dysplasia 12. Also called: ARRHYTHMOGENIC RIGHT VENTRICULAR DYSPLASIA, FAMILIAL, 12. Identifiers: MedGen C1969081, MONDO:0012684, OMIM 611528.
Naxos disease (NXD). Also called: CARDIOMYOPATHY, ARRHYTHMOGENIC RIGHT VENTRICULAR, WITH SKIN, HAIR, AND NAIL ABNORMALITIES; PALMOPLANTAR KERATODERMA WITH ARRHYTHMOGENIC RIGHT VENTRICULAR CARDIOMYOPATHY AND WOOLLY HAIR; WOOLLY HAIR, PALMOPLANTAR KERATODERMA, AND CARDIAC ABNORMALITIES; KERATOSIS PALMOPLANTARIS WITH ARRHYTHMOGENIC CARDIOMYOPATHY; MAL DE NAXOS. Identifiers: Orphanet 34217, MedGen C1832600, MONDO:0011017, OMIM 601214.
Primary dilated cardiomyopathy (DCM). Also called: Dilated Cardiomyopathy. Identifiers: Orphanet 217604, MedGen C0007193, MeSH D002311, MONDO:0005021, HP:0001644. Inheritance: Various modes of inheritance.

Allele frequency attached by ClinVar (database versions not stated): TOPMed 0.00005; gnomAD exomes 0.00006; ExAC 0.00007; gnomAD 0.00007; ESP Exome Variant Server 0.00008.
gnomAD v4.1: 103 of 1,606,898 alleles (0.0064%); highest among the groups gnomAD compares: Admixed American, 0.023%; no homozygotes.

Submissions (8):

Labcorp Genetics (formerly Invitae), Labcorp
Classification: Uncertain significance for Arrhythmogenic right ventricular dysplasia 12; Naxos disease. Last evaluated: 2025-01-01. Review status: criteria provided, single submitter. Criteria: Invitae Variant Classification Sherloc (09022015). Collection method: clinical testing. Allele origin: germline.
Comment: This sequence change replaces arginine, which is basic and polar, with tryptophan, which is neutral and slightly polar, at codon 176 of the JUP protein (p.Arg176Trp). This variant is present in population databases (rs368336007, gnomAD 0.02%). This missense change has been observed in individual(s) with clinical features of JUP-related conditions (PMID: 27662471, 38254962). ClinVar contains an entry for this variant (Variation ID: 191675). An algorithm developed to predict the effect of missense changes on protein structure and function (PolyPhen-2) suggests that this variant is likely to be disruptive. In summary, the available evidence is currently insufficient to determine the role of this variant in disease. Therefore, it has been classified as a Variant of Uncertain Significance.

Blueprint Genetics
Classification: Uncertain significance. Last evaluated: 2024-09-20. Review status: criteria provided, single submitter. Criteria: ACMG Guidelines, 2015. Collection method: clinical testing. Allele origin: germline.

GeneDx
Classification: Uncertain significance. Last evaluated: 2023-04-21. Review status: criteria provided, single submitter. Criteria: GeneDx Variant Classification Process June 2021. Collection method: clinical testing. Allele origin: germline.
Comment: Reported in an individual with sudden unexplained death who also harbored a pathogenic variant in the KCNH2 gene (Sanchez et al., 2016); In silico analysis supports that this missense variant has a deleterious effect on protein structure/function; This variant is associated with the following publications: (PMID: 23861362, 27662471, 21859740, 27930701, 28831623)

Ambry Genetics
Classification: Likely benign for Cardiovascular phenotype. Last evaluated: 2022-02-16. Review status: criteria provided, single submitter. Criteria: Ambry Variant Classification Scheme 2023. Collection method: clinical testing. Allele origin: germline.

Fulgent Genetics
Classification: Uncertain significance for Naxos disease; Arrhythmogenic right ventricular dysplasia 12. Last evaluated: 2021-10-28. Review status: criteria provided, single submitter. Criteria: ACMG Guidelines, 2015. Collection method: clinical testing. Allele origin: unknown.

Centre for Mendelian Genomics, University Medical Centre Ljubljana
Classification: Uncertain significance for Naxos disease. Last evaluated: 2020-02-25. Review status: criteria provided, single submitter. Criteria: ACMG Guidelines, 2015. Collection method: clinical testing. Allele origin: unknown. Affected: yes.
Comment: This variant was classified as: Uncertain significance. The available evidence on this variant's pathogenicity is insufficient or conflicting. The following ACMG criteria were applied in classifying this variant: PP3.

Center of Genomic medicine, Geneva, University Hospital of Geneva
Classification: Uncertain significance for Primary dilated cardiomyopathy. Last evaluated: 2016-10-26. Review status: criteria provided, single submitter. Criteria: ACMG Guidelines, 2015. Collection method: clinical testing. Allele origin: germline. Affected: yes.

Biesecker Lab/Clinical Genomics Section, National Institutes of Health
Classification: Uncertain significance. Last evaluated: 2013-06-24. Review status: criteria provided, single submitter. Criteria: Ng et al. (Circ Cardiovasc Genet. 2013). Collection method: research. Allele origin: unknown. Observed: 1 variant allele. Study: ClinSeq.
Comment: The study set was not selected for affection status in relation to any cancer. Pathogenicity categories were based on literature curation. See Pubmed ID:23861362 for details.

Medical sequencing

Literature cited by the submitters: PubMed 27662471 (cited by Labcorp Genetics (formerly Invitae), Labcorp and Ambry Genetics); PubMed 38254962 (cited by Labcorp Genetics (formerly Invitae), Labcorp); PubMed 21859740 (cited by Ambry Genetics); PubMed 27930701 (cited by Ambry Genetics); PubMed 28831623 (cited by Ambry Genetics).